The following is an entry in ClinVar:

ClinVar aggregate classification (germline): Benign. Review status: criteria provided, multiple submitters, no conflicts (2 of 4 stars). 2 submissions from 2 submitters: Benign (2). Last evaluated 2018-01-12.

Conditions:
Immunodeficiency 67. Also called: Immunodeficiency due to interleukin-1 receptor-associated kinase-4 deficiency. Identifiers: Orphanet 70592, MedGen C1843256, MONDO:0011888, OMIM 607676.

Allele frequency attached by ClinVar (database versions not stated): gnomAD 0.01948 and 0.02025; 1000 Genomes Project 30x 0.03795; 1000 Genomes Project 0.03994.

Submissions (2):

Illumina Laboratory Services, Illumina
Classification: Benign for Immunodeficiency 67. Last evaluated: 2018-01-12. Review status: criteria provided, single submitter. Criteria: ICSL Variant Classification Criteria 13 December 2019. Collection method: clinical testing. Allele origin: germline.
Comment: This variant was observed in the ICSL laboratory as part of a predisposition screen in an ostensibly healthy population. It had not been previously curated by ICSL or reported in the Human Gene Mutation Database (HGMD: prior to June 1st, 2018), and was therefore a candidate for classification through an automated scoring system. Utilizing variant allele frequency, disease prevalence and penetrance estimates, and inheritance mode, an automated score was calculated to assess if this variant is too frequent to cause the disease. Based on the score and internal cut-off values, a variant classified as benign is not then subjected to further curation. The score for this variant resulted in a classification of benign for this disease.

Breakthrough Genomics
Classification: Benign. Review status: criteria provided, single submitter. Criteria: ACMG Guidelines, 2015. Collection method: not provided. Allele origin: germline. Inheritance: Autosomal recessive inheritance. Affected: yes.

NM_016123.4(IRAK4):c.*2704C>T

Gene: IRAK4 (interleukin 1 receptor associated kinase 4; plus strand). Cytogenetic location: 12q12.
Variant type: single nucleotide variant.
Coding change: c.*2704C>T on transcript NM_016123.4 (MANE Select); 2704 bases downstream of the stop codon, C replaced by T.
Molecular consequence: 3 prime UTR variant.
Genome position (GRCh38, 1-based): chr12:43,789,419, C>T. VCF-style: chr12-43789419-C-T. GRCh37 (hg19) VCF-style: chr12-44183222-C-T.
Other names: c.*2704C>T (NM_001114182.3, NM_001145256.2, NM_001145257.2 and 9 more transcripts).
Identifiers: ClinVar variation 308769 (VCV000308769.6), dbSNP rs4251562, ClinGen allele CA10637486.
Genomic context (GRCh38, chr12:43,789,419, plus strand): 5'-AGGCCAGGCAAATATTGGTGCCGTGCTAGTATGGCCTGCAGAACCGTAAGCCAAAACAAA[C>T]CTTTTTTCTTTATAAATTACCCAGCCTCAGTTATTCCTTTATAGTGATGCAAAACGGGCT-3'